The following is an entry in ClinVar:

NM_130468.4(CHST14):c.151G>C (p.Val51Leu)

Genes: CHST14 (carbohydrate sulfotransferase 14; plus strand), LOC130056851 (ATAC-STARR-seq lymphoblastoid silent region 6336; plus strand). Cytogenetic location: 15q15.1.
Variant type: single nucleotide variant.
Coding change: c.151G>C on transcript NM_130468.4 (MANE Select); coding-DNA position 151, G replaced by C.
Protein change: p.Val51Leu; replaces valine 51 with leucine.
Molecular consequence: missense variant.
Genome position (GRCh38, 1-based): chr15:40,471,364, G>C. VCF-style: chr15-40471364-G-C. GRCh37 (hg19) VCF-style: chr15-40763563-G-C.
Other names: p.Val51Leu; short protein forms V51L.
Identifiers: ClinVar variation 702717 (VCV000702717.18), dbSNP rs199749498, ClinGen allele CA7481554.

ClinVar aggregate classification (germline): Likely benign. Review status: criteria provided, multiple submitters, no conflicts (2 of 4 stars). 5 submissions from 5 submitters: Likely benign (5). Last evaluated 2026-04-01.

Conditions:
Ehlers-Danlos syndrome, musculocontractural type (EDSMC). Also called: Adducted thumb, clubfoot, progressive joint and skin laxity syndrome; ARTHROGRYPOSIS, DISTAL, WITH PECULIAR FACIES AND HYDRONEPHROSIS; ADDUCTED THUMB-CLUBFOOT SYNDROME; DUNDAR SYNDROME. Identifiers: Orphanet 2953, MedGen C1866294, MONDO:0011142.
Cardiovascular phenotype. Identifiers: MedGen CN230736.

Allele frequency attached by ClinVar (database versions not stated): gnomAD 0.00008 and 0.00017; TOPMed 0.00014; gnomAD exomes 0.00037; ExAC 0.00049; 1000 Genomes Project 30x 0.00234; 1000 Genomes Project 0.00260.
gnomAD v4.1: 150 of 1,555,088 alleles (0.0096%); highest among the groups gnomAD compares: East Asian, 0.29%; no homozygotes.

Submissions (5):

Women's Health and Genetics/Laboratory Corporation of America, LabCorp
Classification: Likely benign. Last evaluated: 2026-04-01. Review status: criteria provided, single submitter. Criteria: LabCorp Variant Classification Summary - May 2015. Collection method: clinical testing. Allele origin: germline.
Comment: Variant summary: CHST14 c.151G>C (p.Val51Leu) results in a conservative amino acid change in the encoded protein sequence. Algorithms developed to predict the effect of missense changes on protein structure and function are either unavailable or do not agree on the potential impact of this missense change. The variant allele was found at a frequency of 0.00037 in 159472 control chromosomes, predominantly at a frequency of 0.0045 within the East Asian subpopulation in the gnomAD database. The observed variant frequency within East Asian control individuals in the gnomAD database exceeds the estimated maximal expected allele frequency for disease-causing variants in CHST14. To our knowledge, no occurrence of c.151G>C in individuals affected with CHST14-related conditions and no experimental evidence demonstrating its impact on protein function have been reported. ClinVar contains an entry for this variant (Variation ID: 702717). Based on the evidence outlined above, the variant was classified as likely benign.

Labcorp Genetics (formerly Invitae), Labcorp
Classification: Likely benign for Ehlers-Danlos syndrome, musculocontractural type. Last evaluated: 2026-01-27. Review status: criteria provided, single submitter. Criteria: Invitae Variant Classification Sherloc (09022015). Collection method: clinical testing. Allele origin: germline.

Mayo Clinic Laboratories, Mayo Clinic
Classification: Likely benign. Last evaluated: 2025-08-06. Review status: criteria provided, single submitter. Criteria: ACMG Guidelines, 2015. Collection method: clinical testing. Allele origin: germline. Observed: 1 variant allele.
Comment: BS1, BP4

Ambry Genetics
Classification: Likely benign for Cardiovascular phenotype. Last evaluated: 2020-08-27. Review status: criteria provided, single submitter. Criteria: Ambry Variant Classification Scheme 2023. Collection method: clinical testing. Allele origin: germline.

GeneDx
Classification: Likely benign. Last evaluated: 2019-07-03. Review status: criteria provided, single submitter. Criteria: GeneDx Variant Classification Process June 2021. Collection method: clinical testing. Allele origin: germline. Affected: yes.